The following is an entry in ClinVar:

ClinVar aggregate classification (germline): Uncertain significance (1 of 4 stars; one submission).

Conditions:
Hereditary cancer-predisposing syndrome. Also called: Neoplastic Syndromes, Hereditary; Tumor predisposition; Hereditary neoplastic syndrome; Hereditary Cancer Syndrome. Identifiers: Orphanet 140162, MedGen C0027672, MeSH D009386, MONDO:0015356.

Submission:

Color Diagnostics, LLC DBA Color Health
Classification: Uncertain significance for Hereditary cancer-predisposing syndrome. Last evaluated: 2023-12-04. Review status: criteria provided, single submitter. Criteria: ACMG Guidelines, 2015. Collection method: clinical testing. Allele origin: germline.
Comment: This missense variant replaces proline with leucine at codon 924 of the PALB2 protein. Computational prediction suggests that this variant may not impact protein structure and function (internally defined REVEL score threshold <= 0.5, PMID: 27666373). To our knowledge, functional studies have not been reported for this variant. This variant has not been reported in individuals affected with PALB2-related disorders in the literature. This variant has not been identified in the general population by the Genome Aggregation Database (gnomAD). The available evidence is insufficient to determine the role of this variant in disease conclusively. Therefore, this variant is classified as a Variant of Uncertain Significance.

NM_024675.4(PALB2):c.2771C>T (p.Pro924Leu)

Gene: PALB2 (partner and localizer of BRCA2; minus strand). Cytogenetic location: 16p12.2.
Variant type: single nucleotide variant.
Coding change: c.2771C>T on transcript NM_024675.4 (MANE Select); coding-DNA position 2771, C replaced by T.
Protein change: p.Pro924Leu; replaces proline 924 with leucine.
Molecular consequence: missense variant.
Genome position (GRCh38, 1-based): chr16:23,624,072, G>A on the plus strand (C>T on the coding strand, the complement: PALB2 is on the minus strand). VCF-style: chr16-23624072-G-A. GRCh37 (hg19) VCF-style: chr16-23635393-G-A.
Other names: short protein forms P924L.
Identifiers: ClinVar variation 628659 (VCV000628659.5), dbSNP rs1567214451, ClinGen allele CA395145143.